The following is an entry in ClinVar:

NM_003638.3(ITGA8):c.2683C>T (p.Arg895Ter)

Gene: ITGA8 (integrin subunit alpha 8; minus strand). Cytogenetic location: 10p13.
Variant type: single nucleotide variant.
Coding change: c.2683C>T on transcript NM_003638.3 (MANE Select); coding-DNA position 2683, C replaced by T.
Protein change: p.Arg895Ter; replaces arginine 895 with a stop codon.
Molecular consequence: nonsense.
Genome position (GRCh38, 1-based): chr10:15,558,157, G>A on the plus strand (C>T on the coding strand, the complement: ITGA8 is on the minus strand). VCF-style: chr10-15558157-G-A. GRCh37 (hg19) VCF-style: chr10-15600156-G-A.
Other names: c.2638C>T, p.Arg880Ter (NM_001291494.2); short protein forms R895*, R880*.
Identifiers: ClinVar variation 4694107 (VCV004694107.1).
Genomic context (GRCh38, chr10:15,558,157, plus strand): 5'-TGTGGAATTCGACCACATGTACATCCCTCTTCCTGACAAGATGAGGAATAGTAGAGTTTC[G>A]CAAAAAGGCGCTGAGCTCAGGGGTGTCCTCTGGGGAGGCAGCAGGCTGCAAAAAGAAAGT-3'

ClinVar aggregate classification (germline): Pathogenic (1 of 4 stars; one submission).

gnomAD v4.1: 1 of 1,614,194 alleles (0.000062%); highest among the groups gnomAD compares: Non-Finnish European, 0.000085%; no homozygotes.

Submission:

Labcorp Genetics (formerly Invitae), Labcorp
Classification: Pathogenic. Last evaluated: 2025-04-15. Review status: criteria provided, single submitter. Criteria: Invitae Variant Classification Sherloc (09022015). Collection method: clinical testing. Allele origin: germline.
Comment: This sequence change creates a premature translational stop signal (p.Arg895*) in the ITGA8 gene. It is expected to result in an absent or disrupted protein product. Loss-of-function variants in ITGA8 are known to be pathogenic (PMID: 24439109). This variant is not present in population databases (gnomAD no frequency). This variant has not been reported in the literature in individuals affected with ITGA8-related conditions. For these reasons, this variant has been classified as Pathogenic.

Literature cited by the submitters: PubMed 24439109.